The following is an entry in ClinVar:

NM_000222.3(KIT):c.1717_1719dup (p.Pro573_Thr574insPro)

Gene: KIT (KIT proto-oncogene, receptor tyrosine kinase; plus strand). Cytogenetic location: 4q12.
Variant type: Duplication.
Coding change: c.1717_1719dup on transcript NM_000222.3 (MANE Select); coding-DNA positions 1717 to 1719, 3 bases duplicated (CCA; older notation c.1717_1719dupCCA).
Protein change: p.Pro573_Thr574insPro.
Molecular consequence: inframe insertion.
Genome position (GRCh38, 1-based): chr4:54,727,485-54,727,487, CCA duplicated. VCF-style (leftmost placement, unchanged base first): chr4-54727484-C-CCCA. GRCh37 (hg19) VCF-style: chr4-55593650-C-CCCA.
Other names: c.1705_1707dup, p.Pro569_Thr570insPro (NM_001093772.2, NM_001385286.1); c.1720_1722dup, p.Pro574_Thr575insPro (NM_001385284.1, NM_001385290.1); c.1717_1719dup, p.Pro573_Thr574insPro (NM_001385285.1); c.1708_1710dup, p.Pro570_Thr571insPro (NM_001385288.1, NM_001385292.1).
Identifiers: ClinVar variation 2826480 (VCV002826480.3), dbSNP rs2475545238, ClinGen allele CA2739265906.

ClinVar aggregate classification (germline): Uncertain significance (1 of 4 stars; one submission).

Conditions:
Gastrointestinal stromal tumor. Also called: Gastrointestinal stromal tumor, somatic; Gastrointestinal stroma tumor. Identifiers: Orphanet 44890, MedGen C0238198, MeSH D046152, MONDO:0011719, OMIM 606764, HP:0100723.

Submission:

Labcorp Genetics (formerly Invitae), Labcorp
Classification: Uncertain significance for Gastrointestinal stromal tumor. Last evaluated: 2023-09-05. Review status: criteria provided, single submitter. Criteria: Invitae Variant Classification Sherloc (09022015). Collection method: clinical testing. Allele origin: germline.
Comment: This variant, c.1717_1719dup, results in the insertion of 1 amino acid(s) of the KIT protein (p.Pro573dup), but otherwise preserves the integrity of the reading frame. In summary, the available evidence is currently insufficient to determine the role of this variant in disease. Therefore, it has been classified as a Variant of Uncertain Significance. This variant has not been reported in the literature in individuals affected with KIT-related conditions. This variant is not present in population databases (gnomAD no frequency).